The following is an entry in ClinVar:

NM_015512.5(DNAH1):c.5737G>A (p.Gly1913Arg)

Gene: DNAH1 (dynein axonemal heavy chain 1; plus strand). Cytogenetic location: 3p21.1.
Variant type: single nucleotide variant.
Coding change: c.5737G>A on transcript NM_015512.5 (MANE Select); coding-DNA position 5737, G replaced by A.
Protein change: p.Gly1913Arg; replaces glycine 1913 with arginine.
Molecular consequence: missense variant.
Genome position (GRCh38, 1-based): chr3:52,366,859, G>A. VCF-style: chr3-52366859-G-A. GRCh37 (hg19) VCF-style: chr3-52400875-G-A.
Other names: short protein forms G1913R.
Identifiers: ClinVar variation 1010156 (VCV001010156.2), dbSNP rs759559439, ClinGen allele CA2434297.

ClinVar aggregate classification (germline): Uncertain significance (1 of 4 stars; one submission).

Conditions:
Spermatogenic failure 18. Identifiers: MedGen C4539783, MONDO:0054615, OMIM 617576.
Ciliary dyskinesia, primary, 37 (CILD37). Also called: CILIARY DYSKINESIA, PRIMARY, 37, WITH OR WITHOUT SITUS INVERSUS. Identifiers: MedGen C4539798, MONDO:0033204, OMIM 617577.

Allele frequency attached by ClinVar (database versions not stated): gnomAD exomes below 0.00001; ExAC 0.00001.
gnomAD v4.1: 2 of 1,613,736 alleles (0.00012%); highest among the groups gnomAD compares: Admixed American, 0.0017%; no homozygotes.

Submission:

Labcorp Genetics (formerly Invitae), Labcorp
Classification: Uncertain significance for Ciliary dyskinesia, primary, 37; Spermatogenic failure 18. Last evaluated: 2022-09-27. Review status: criteria provided, single submitter. Criteria: Invitae Variant Classification Sherloc (09022015). Collection method: clinical testing. Allele origin: germline.
Comment: This sequence change replaces glycine, which is neutral and non-polar, with arginine, which is basic and polar, at codon 1913 of the DNAH1 protein (p.Gly1913Arg). This variant is present in population databases (rs759559439, gnomAD 0.003%). This variant has not been reported in the literature in individuals affected with DNAH1-related conditions. ClinVar contains an entry for this variant (Variation ID: 1010156). Advanced modeling of protein sequence and biophysical properties (such as structural, functional, and spatial information, amino acid conservation, physicochemical variation, residue mobility, and thermodynamic stability) performed at Invitae indicates that this missense variant is expected to disrupt DNAH1 protein function. In summary, the available evidence is currently insufficient to determine the role of this variant in disease. Therefore, it has been classified as a Variant of Uncertain Significance.